The following is an entry in ClinVar:

ClinVar aggregate classification (germline): Uncertain significance. Review status: criteria provided, multiple submitters, no conflicts (2 of 4 stars). 2 submissions from 2 submitters: Uncertain significance (2). Last evaluated 2023-02-22.

Conditions:
Inborn genetic diseases. Identifiers: MedGen C0950123, MeSH D030342.
Hereditary spastic paraplegia 3A (SPG3A). Also called: Spastic paraplegia 3A, autosomal dominant; SPASTIC PARAPLEGIA 3, AUTOSOMAL DOMINANT; FAMILIAL SPASTIC PARAPLEGIA, AUTOSOMAL DOMINANT, 1; SPG3; STRUMPELL DISEASE; Spastic Paraplegia 3A. Identifiers: Orphanet 100984, MedGen C2931355, MONDO:0008437, OMIM 182600.

Submissions (2):

Labcorp Genetics (formerly Invitae), Labcorp
Classification: Uncertain significance for Hereditary spastic paraplegia 3A. Last evaluated: 2023-02-22. Review status: criteria provided, single submitter. Criteria: Invitae Variant Classification Sherloc (09022015). Collection method: clinical testing. Allele origin: germline.
Comment: In summary, the available evidence is currently insufficient to determine the role of this variant in disease. Therefore, it has been classified as a Variant of Uncertain Significance. Advanced modeling of protein sequence and biophysical properties (such as structural, functional, and spatial information, amino acid conservation, physicochemical variation, residue mobility, and thermodynamic stability) performed at Invitae indicates that this missense variant is not expected to disrupt ATL1 protein function. ClinVar contains an entry for this variant (Variation ID: 1775533). This variant has not been reported in the literature in individuals affected with ATL1-related conditions. This variant is present in population databases (no rsID available, gnomAD 0.0009%). This sequence change replaces leucine, which is neutral and non-polar, with phenylalanine, which is neutral and non-polar, at codon 524 of the ATL1 protein (p.Leu524Phe).

Ambry Genetics
Classification: Uncertain significance for Inborn genetic diseases. Last evaluated: 2021-10-26. Review status: criteria provided, single submitter. Criteria: Ambry Variant Classification Scheme 2023. Collection method: clinical testing. Allele origin: germline.
Comment: The p.L524F variant (also known as c.1572G>C), located in coding exon 14 of the ATL1 gene, results from a G to C substitution at nucleotide position 1572. The leucine at codon 524 is replaced by phenylalanine, an amino acid with highly similar properties. This amino acid position is highly conserved in available vertebrate species. In addition, the in silico prediction for this alteration is inconclusive. Since supporting evidence is limited at this time, the clinical significance of this alteration remains unclear.

NM_015915.5(ATL1):c.1572G>C (p.Leu524Phe)

Gene: ATL1 (atlastin GTPase 1; plus strand). Cytogenetic location: 14q22.1.
Variant type: single nucleotide variant.
Coding change: c.1572G>C on transcript NM_015915.5 (MANE Select); coding-DNA position 1572, G replaced by C.
Protein change: p.Leu524Phe; replaces leucine 524 with phenylalanine.
Molecular consequence: missense variant.
Genome position (GRCh38, 1-based): chr14:50,632,234, G>C. VCF-style: chr14-50632234-G-C. GRCh37 (hg19) VCF-style: chr14-51098952-G-C.
Other names: c.1557G>C, p.Leu519Phe (NM_001127713.1, NM_181598.4); short protein forms L524F, L519F.
Identifiers: ClinVar variation 1775533 (VCV001775533.5), dbSNP rs1406810954, ClinGen allele CA389678477.